The following is an entry in ClinVar:

ClinVar aggregate classification (germline): Uncertain significance (1 of 4 stars; one submission).

Allele frequency attached by ClinVar (database versions not stated): gnomAD exomes 0.00004.
gnomAD v4.1: 51 of 1,613,480 alleles (0.0032%); highest among the groups gnomAD compares: Non-Finnish European, 0.0042%; no homozygotes.

Submission:

ARUP Laboratories, Molecular Genetics and Genomics, ARUP Laboratories
Classification: Uncertain significance. Last evaluated: 2020-11-18. Review status: criteria provided, single submitter. Criteria: ARUP Molecular Germline Variant Investigation Process 2021. Collection method: clinical testing. Allele origin: germline.
Comment: The TTN c.79273A>G; p.Lys26425Glu variant is rare in the general population (<0.2% allele frequency in the Genome Aggregation Database) and has not been reported in the medical literature in association with dilated cardiomyopathy (DCM) or other TTN-related disease. The clinical relevance of rare missense variants in this gene, which are identified on average once per individual sequenced in affected populations (Herman 2012), is not well understood. Yet, evidence suggests that the vast majority of such missense variants do not contribute to the clinical outcome of DCM (Begay 2015). Thus, the clinical significance of the p.Lys26425Glu variant cannot be determined with certainty. References: Begay RL et al. Role of Titin Missense Variants in Dilated Cardiomyopathy. J Am Heart Assoc. 2015 Nov 13;4(11). Herman DS et al. Truncations of titin causing dilated cardiomyopathy. N Engl J Med. 2012 Feb 16;366(7):619-28. Linke WA and Hamdani N. Gigantic business: titin properties and function through thick and thin. Circ Res 2014; 114(6): 1052-1068.

NM_001267550.2(TTN):c.79273A>G (p.Lys26425Glu)

Genes: TTN (titin; minus strand), TTN-AS1 (TTN antisense RNA 1; plus strand). Cytogenetic location: 2q31.2.
Variant type: single nucleotide variant.
Coding change: c.79273A>G on transcript NM_001267550.2 (MANE Select); coding-DNA position 79273, A replaced by G.
Protein change: p.Lys26425Glu; replaces lysine 26425 with glutamic acid.
Molecular consequence: missense variant.
Genome position (GRCh38, 1-based): chr2:178,566,859, T>C on the plus strand (A>G on the coding strand, the complement: TTN is on the minus strand). VCF-style: chr2-178566859-T-C. GRCh37 (hg19) VCF-style: chr2-179431586-T-C.
Other names: c.74350A>G, p.Lys24784Glu (NM_001256850.1); c.52078A>G, p.Lys17360Glu (NM_003319.4); c.71569A>G, p.Lys23857Glu (NM_133378.4); c.52453A>G, p.Lys17485Glu (NM_133432.3); c.52654A>G, p.Lys17552Glu (NM_133437.4); short protein forms K17360E, K17485E, K17552E, K23857E, K24784E, K26425E.
Identifiers: ClinVar variation 1330434 (VCV001330434.7), dbSNP rs1706063163, ClinGen allele CA349598303.